The following is an entry in ClinVar:

ClinVar aggregate classification (germline): Uncertain significance (1 of 4 stars; one submission).

Conditions:
Epidermodysplasia verruciformis. Identifiers: Orphanet 302, MedGen C0014522, MONDO:0009176.

Submission:

Labcorp Genetics (formerly Invitae), Labcorp
Classification: Uncertain significance for Epidermodysplasia verruciformis. Last evaluated: 2022-08-31. Review status: criteria provided, single submitter. Criteria: Invitae Variant Classification Sherloc (09022015). Collection method: clinical testing. Allele origin: germline.
Comment: This variant, c.1885_1887del, results in the deletion of 1 amino acid(s) of the TMC6 protein (p.Lys629del), but otherwise preserves the integrity of the reading frame. This variant is not present in population databases (gnomAD no frequency). This variant has not been reported in the literature in individuals affected with TMC6-related conditions. Experimental studies and prediction algorithms are not available or were not evaluated, and the functional significance of this variant is currently unknown. Algorithms developed to predict the effect of sequence changes on RNA splicing suggest that this variant may disrupt the consensus splice site. In summary, the available evidence is currently insufficient to determine the role of this variant in disease. Therefore, it has been classified as a Variant of Uncertain Significance.

NM_001127198.5(TMC6):c.1882_1884AAG[1] (p.Lys629del)

Gene: TMC6 (transmembrane channel like 6; minus strand). Cytogenetic location: 17q25.3.
Variant type: Microsatellite.
Coding change: c.1882_1884AAG[1] on transcript NM_001127198.5 (MANE Select).
Protein change: p.Lys629del; deletes lysine 629.
Molecular consequence: inframe deletion. On other transcripts: non-coding transcript variant (4).
Genome position: GRCh38 VCF-style: chr17-78118970-CCTT-C. GRCh37 (hg19) VCF-style: chr17-76115051-CCTT-C.
Other names: c.1882_1884AAG[1], p.Lys629del (NM_001321185.1, NM_001374596.1, NM_001375353.1 and 2 more transcripts); c.1702_1704AAG[1], p.Lys569del (NM_001374593.1, NM_001374594.1); short protein forms K629del, K569del.
Identifiers: ClinVar variation 1489245 (VCV001489245.6), dbSNP rs2145131223, ClinGen allele CA2580613253.